The following is an entry in ClinVar:

NM_002732.4(PRKACG):c.856A>C (p.Arg286=)

Gene: PRKACG (protein kinase cAMP-activated catalytic subunit gamma; minus strand). Cytogenetic location: 9q21.11.
Variant type: single nucleotide variant.
Coding change: c.856A>C on transcript NM_002732.4 (MANE Select); coding-DNA position 856, A replaced by C.
Protein change: p.Arg286=; no amino-acid change (arginine 286 retained).
Molecular consequence: synonymous variant.
Genome position (GRCh38, 1-based): chr9:69,013,237, T>G on the plus strand (A>C on the coding strand, the complement: PRKACG is on the minus strand). VCF-style: chr9-69013237-T-G. GRCh37 (hg19) VCF-style: chr9-71628153-T-G.
Other names: p.Arg286=.
Identifiers: ClinVar variation 3041111 (VCV003041111.3), dbSNP rs369389606, ClinGen allele CA5072421.

ClinVar aggregate classification (germline): Likely benign. Review status: criteria provided, single submitter (1 of 4 stars). 2 submissions from 2 submitters: Likely benign (1). 1 of the submissions does not count toward it. Last evaluated 2025-04-15.

Conditions:
PRKACG-related disorder. Also called: PRKACG-related condition.

Allele frequency attached by ClinVar (database versions not stated): ExAC 0.00001; TOPMed 0.00005; ESP Exome Variant Server 0.00008; gnomAD 0.00002.
gnomAD v4.1: 10 of 1,614,046 alleles (0.00062%); highest among the groups gnomAD compares: Non-Finnish European, 0.00076%; no homozygotes.

Submissions (2):

Mayo Clinic Laboratories, Mayo Clinic
Classification: Likely benign. Last evaluated: 2025-04-15. Review status: criteria provided, single submitter. Criteria: ACMG Guidelines, 2015. Collection method: clinical testing. Allele origin: germline. Observed: 1 variant allele.
Comment: BP4, BP7, PM2_supporting

PreventionGenetics, part of Exact Sciences
Classification: Likely benign for PRKACG-related condition. Last evaluated: 2019-02-27. Review status: no assertion criteria provided. Collection method: clinical testing. Allele origin: germline. Not counted in ClinVar's aggregate classification.
Comment: This variant is classified as likely benign based on ACMG/AMP sequence variant interpretation guidelines (Richards et al. 2015 PMID: 25741868, with internal and published modifications).